The following is an entry in ClinVar:

ClinVar aggregate classification (germline): Pathogenic. Review status: criteria provided, multiple submitters, no conflicts (2 of 4 stars). 3 submissions from 3 submitters: Pathogenic (3). Last evaluated 2024-07-01.

Conditions:
Multiple endocrine neoplasia, type 1 (MEN1). Also called: MEA I; MEN I; WERMER SYNDROME; Endocrine adenomatosis multiple; MEN 1. Identifiers: Orphanet 652, MedGen C0025267, MeSH D018761, MONDO:0007540, OMIM 131100.

Submissions (3):

Quest Diagnostics Nichols Institute San Juan Capistrano
Classification: Pathogenic. Last evaluated: 2024-07-01. Review status: criteria provided, single submitter. Criteria: Quest Diagnostics criteria. Collection method: clinical testing. Allele origin: unknown.
Comment: The MEN1 c.1715C>A (p.Ser572*) variant causes the premature termination of MEN1 protein synthesis. This variant has been reported in the published literature in an individual with multiple endocrine neoplasia type 1 (MEN1) syndrome (PMID: 17853334 (2007)). This variant has not been reported in large, multi-ethnic general populations (Genome Aggregation Database). Based on the available information, this variant is classified as pathogenic.

Women's Health and Genetics/Laboratory Corporation of America, LabCorp
Classification: Pathogenic for Multiple endocrine neoplasia, type 1. Last evaluated: 2024-05-01. Review status: criteria provided, single submitter. Criteria: LabCorp Variant Classification Summary - May 2015. Collection method: clinical testing. Allele origin: germline.
Comment: Variant summary: MEN1 c.1715C>A (p.Ser572X) results in a premature termination codon in the last exon of the encoded protein, predicted to cause a truncation of the encoded protein, however, nonsense mediated decay is not expected to occur The variant was absent in 251422 control chromosomes. c.1715C>A has been reported in the literature in at least one heterozygous individual affected with Multiple Endocrine Neoplasia Type 1 (e.g. Schaff_2007). To our knowledge, no experimental evidence demonstrating an impact on protein function has been reported. The following publication has been ascertained in the context of this evaluation (PMID: 17853334). No submitters have cited clinical-significance assessments for this variant to ClinVar. Based on the evidence outlined above, the variant was classified as pathogenic.

Labcorp Genetics (formerly Invitae), Labcorp
Classification: Pathogenic for Multiple endocrine neoplasia, type 1. Last evaluated: 2024-02-28. Review status: criteria provided, single submitter. Criteria: Invitae Variant Classification Sherloc (09022015). Collection method: clinical testing. Allele origin: germline.
Comment: This sequence change creates a premature translational stop signal (p.Ser572*) in the MEN1 gene. While this is not anticipated to result in nonsense mediated decay, it is expected to disrupt the last 39 amino acid(s) of the MEN1 protein. This variant is not present in population databases (gnomAD no frequency). This premature translational stop signal has been observed in individual(s) with multiple endocrine neoplasia type 1 (PMID: 17853334). This variant disrupts a region of the MEN1 protein in which other variant(s) (p.Thr580Argfs*8) have been determined to be pathogenic (Invitae). This suggests that this is a clinically significant region of the protein, and that variants that disrupt it are likely to be disease-causing. For these reasons, this variant has been classified as Pathogenic.

Literature cited by the submitters: PubMed 17853334 (cited by 3 submitters).

NM_001370259.2(MEN1):c.1715C>A (p.Ser572Ter)

Gene: MEN1 (menin 1; minus strand). Cytogenetic location: 11q13.1.
Variant type: single nucleotide variant.
Coding change: c.1715C>A on transcript NM_001370259.2 (MANE Select); coding-DNA position 1715, C replaced by A.
Protein change: p.Ser572Ter; replaces serine 572 with a stop codon.
Molecular consequence: nonsense. On other transcripts: non-coding transcript variant (4).
Genome position (GRCh38, 1-based): chr11:64,804,452, G>T on the plus strand (C>A on the coding strand, the complement: MEN1 is on the minus strand). VCF-style: chr11-64804452-G-T. GRCh37 (hg19) VCF-style: chr11-64571924-G-T.
Other names: c.1736C>A, p.Ser579Ter (NM_001407151.1); c.1550C>A, p.Ser517Ter (NM_001407152.1); c.1715C>A, p.Ser572Ter (NM_130799.3, NM_001370260.2, NM_001370261.2 and 2 more transcripts); c.1730C>A, p.Ser577Ter (NM_130800.3, NM_130801.3, NM_130802.3 and 4 more transcripts); c.1841C>A, p.Ser614Ter (NM_001370251.2, NM_001407142.1, NM_001407143.1 and 1 more transcripts); c.1610C>A, p.Ser537Ter (NM_001370262.2, NM_001370263.2, NM_001407148.1 and 1 more transcripts); c.1856C>A, p.Ser619Ter (NM_001407150.1); short protein forms S517*, S537*, S572*, S577*, S579*, S614*, S619*.
Identifiers: ClinVar variation 3336299 (VCV003336299.4).